The following is an entry in ClinVar:

NM_000108.5(DLD):c.1018_1021delinsCCC (p.Asn340fs)

Gene: DLD (dihydrolipoamide dehydrogenase; plus strand). Cytogenetic location: 7q31.1.
Variant type: Indel.
Coding change: c.1018_1021delinsCCC on transcript NM_000108.5 (MANE Select); coding-DNA positions 1018 to 1021, AATA replaced by CCC.
Protein change: p.Asn340fs; shifts the reading frame from asparagine 340.
Molecular consequence: frameshift variant.
Genome position (GRCh38, 1-based): chr7:107,916,936-107,916,939, AATA replaced by CCC. VCF-style: chr7-107916936-AATA-CCC. GRCh37 (hg19) VCF-style: chr7-107557381-AATA-CCC.
Other names: c.721_724delinsCCC, p.Asn241fs (NM_001289750.1); c.949_952delinsCCC, p.Asn317fs (NM_001289751.1); c.874_877delinsCCC, p.Asn292fs (NM_001289752.1); short protein forms N241fs, N292fs, N317fs, N340fs.
Identifiers: ClinVar variation 4817446 (VCV004817446.1).

ClinVar aggregate classification (germline): Likely pathogenic (1 of 4 stars; one submission).

Conditions:
Pyruvate dehydrogenase E3 deficiency (DLDD). Also called: Lipoamide dehydrogenase deficiency, lactic acidosis due to; Dihydrolipoamide Dehydrogenase (E3) Deficiency; MAPLE SYRUP URINE DISEASE, TYPE III; Dihydrolipoamide Dehydrogenase Deficiency; DLD DEFICIENCY; E3 DEFICIENCY. Identifiers: Orphanet 2394, Orphanet 765, MedGen C5574660, MONDO:0009529, OMIM 246900.

Submission:

Natera, Inc.
Classification: Likely pathogenic for Maple syrup urine disease type 3. Last evaluated: 2024-06-11. Review status: criteria provided, single submitter. Criteria: Natera Variant Classification Schema (03/2026). Collection method: clinical testing. Allele origin: germline.
Comment: The c.1018_1021delinsCCC variant in DLD is a frameshift variant predicted to shift the reading frame beginning at codon 340 and leads to a stop codon 17 codons downstream. This variant is expected to result in nonsense mediated decay, truncation, or a dysfunctional protein product. This variant is rare in the general population with a frequency below the threshold expected for the associated phenotype(s). Given the available evidence, this variant is classified as Likely Pathogenic.